The following is an entry in ClinVar:

ClinVar aggregate classification (germline): Uncertain significance (1 of 4 stars; one submission).

Conditions:
Cortical dysplasia-focal epilepsy syndrome (PTHSL1). Also called: Pitt-Hopkins-like syndrome 1. Identifiers: Orphanet 163681, Orphanet 221150, MedGen C2750246, MONDO:0012400, OMIM 610042.

Allele frequency attached by ClinVar (database versions not stated): TOPMed 0.00002.

Submission:

Labcorp Genetics (formerly Invitae), Labcorp
Classification: Uncertain significance for Cortical dysplasia-focal epilepsy syndrome. Last evaluated: 2021-02-19. Review status: criteria provided, single submitter. Criteria: Invitae Variant Classification Sherloc (09022015). Collection method: clinical testing. Allele origin: germline.
Comment: In summary, the available evidence is currently insufficient to determine the role of this variant in disease. Therefore, it has been classified as a Variant of Uncertain Significance. Algorithms developed to predict the effect of missense changes on protein structure and function are either unavailable or do not agree on the potential impact of this missense change (SIFT: "Deleterious"; PolyPhen-2: "Benign"; Align-GVGD: "Class C0"). This variant has not been reported in the literature in individuals with CNTNAP2-related conditions. This variant is not present in population databases (ExAC no frequency). This sequence change replaces serine with glycine at codon 785 of the CNTNAP2 protein (p.Ser785Gly). The serine residue is moderately conserved and there is a small physicochemical difference between serine and glycine.

NM_014141.6(CNTNAP2):c.2353A>G (p.Ser785Gly)

Gene: CNTNAP2 (contactin associated protein 2; plus strand). Cytogenetic location: 7q35.
Variant type: single nucleotide variant.
Coding change: c.2353A>G on transcript NM_014141.6 (MANE Select); coding-DNA position 2353, A replaced by G.
Protein change: p.Ser785Gly; replaces serine 785 with glycine.
Molecular consequence: missense variant.
Genome position (GRCh38, 1-based): chr7:147,977,959, A>G. VCF-style: chr7-147977959-A-G. GRCh37 (hg19) VCF-style: chr7-147675051-A-G.
Other names: short protein forms S785G.
Identifiers: ClinVar variation 1383245 (VCV001383245.8), dbSNP rs1456760957, ClinGen allele CA369927757.